The following is an entry in ClinVar:

ClinVar aggregate classification (germline): Pathogenic (1 of 4 stars; one submission).

Conditions:
Primary ciliary dyskinesia. Also called: Ciliary dyskinesia. Identifiers: Orphanet 244, MedGen C0008780, MONDO:0016575, HP:0012265.

Submission:

Labcorp Genetics (formerly Invitae), Labcorp
Classification: Pathogenic for Primary ciliary dyskinesia. Last evaluated: 2025-04-09. Review status: criteria provided, single submitter. Criteria: Invitae Variant Classification Sherloc (09022015). Collection method: clinical testing. Allele origin: germline.
Comment: This sequence change creates a premature translational stop signal (p.Glu778*) in the RPGR (ORF15) gene. While this is not anticipated to result in nonsense mediated decay, it is expected to disrupt the last 375 amino acid(s) of the RPGR (ORF15) protein. This variant is not present in population databases (gnomAD no frequency). This variant has not been reported in the literature in individuals affected with RPGR (ORF15)-related conditions. ClinVar contains an entry for this variant (Variation ID: 3659930). This variant disrupts a region of the RPGR (ORF15) protein in which other variant(s) (p.Leu1130Lysfs*13) have been determined to be pathogenic (PMID: 22264887; internal data). This suggests that this is a clinically significant region of the protein, and that variants that disrupt it are likely to be disease-causing. For these reasons, this variant has been classified as Pathogenic.

Literature cited by the submitters: PubMed 22264887.

NM_001034853.2(RPGR):c.2332G>T (p.Glu778Ter)

Gene: RPGR (retinitis pigmentosa GTPase regulator; minus strand). Cytogenetic location: Xp11.4.
Variant type: single nucleotide variant.
Coding change: c.2332G>T on transcript NM_001034853.2 (MANE Select); coding-DNA position 2332, G replaced by T.
Protein change: p.Glu778Ter; replaces glutamic acid 778 with a stop codon.
Molecular consequence: nonsense. On other transcripts: intron variant (8).
Genome position (GRCh38, 1-based): chrX:38,286,667, C>A on the plus strand (G>T on the coding strand, the complement: RPGR is on the minus strand). VCF-style: chrX-38286667-C-A. GRCh37 (hg19) VCF-style: chrX-38145920-C-A.
Other names: c.1569+4292G>T (NM_001367249.1, NM_001367250.1); c.1902+427G>T (NM_001367245.1); c.1386+4292G>T (NM_001367251.1); c.1719+427G>T (NM_001367246.1); c.1572+4292G>T (NM_001367247.1); c.1905+427G>T (NM_000328.3); c.1602+4292G>T (NM_001367248.1); short protein forms E778*.
Identifiers: ClinVar variation 3659930 (VCV003659930.2).
Genomic context (GRCh38, chrX:38,286,667, plus strand): 5'-CTTCCCCCTCTCCTTGGTCTCCTTCTTCCTCTCCTTTCTCCTCCTTCCCCGCTCTTTCCT[C>A]CTTTTTCCTCTCTCCTTCCTCCTTTTCACGTTCTCCCTCCACTTCTTCCCCTTCTCCTTC-3'